The following is an entry in ClinVar:

NM_004655.4(AXIN2):c.672T>C (p.Tyr224=)

Gene: AXIN2 (axin 2; minus strand). Cytogenetic location: 17q24.1.
Variant type: single nucleotide variant.
Coding change: c.672T>C on transcript NM_004655.4 (MANE Select); coding-DNA position 672, T replaced by C.
Protein change: p.Tyr224=; no amino-acid change (tyrosine 224 retained).
Molecular consequence: synonymous variant.
Genome position (GRCh38, 1-based): chr17:65,557,949, A>G on the plus strand (T>C on the coding strand, the complement: AXIN2 is on the minus strand). VCF-style: chr17-65557949-A-G. GRCh37 (hg19) VCF-style: chr17-63554067-A-G.
Other names: c.672T>C, p.Tyr224= (NM_001363813.1); c.672T>C (LRG_296t1).
Identifiers: ClinVar variation 378955 (VCV000378955.19), dbSNP rs375671211, ClinGen allele CA8719011.
Genomic context (GRCh38, chr17:65,557,949, plus strand): 5'-CGAAAGTTTGCACTTGAAGTCGGCACAAGTCCACTCCTCTTCTTCATTCAAGGTGGGGAG[A>G]TAGCCACACACGACCTTTAGGCTCCCGAGTCCCCCATTACTCATGTAAGCTGTGTTTTCT-3'
Protein context (NP_004646.3, residues 214-234): GLGSLKVVCG[Tyr224=]LPTLNEEEEW

ClinVar aggregate classification (germline): Benign/Likely benign. Review status: criteria provided, multiple submitters, no conflicts (2 of 4 stars). 5 submissions from 5 submitters: Benign (1); Likely benign (4). Last evaluated 2026-09-04.

Conditions:
AXIN2-related disorder.
Hereditary cancer-predisposing syndrome. Also called: Neoplastic Syndromes, Hereditary; Tumor predisposition; Hereditary Cancer Syndrome; Hereditary neoplastic syndrome. Identifiers: Orphanet 140162, MedGen C0027672, MeSH D009386, MONDO:0015356.
Oligodontia-cancer predisposition syndrome. Also called: TOOTH AGENESIS-COLORECTAL CANCER SYNDROME. Identifiers: Orphanet 300576, MedGen C1837750, MONDO:0012075, OMIM 608615. Disease mechanism: loss of function.

Allele frequency attached by ClinVar (database versions not stated): gnomAD below 0.00001 and 0.00001; gnomAD exomes below 0.00001 and 0.00002; ExAC 0.00002; TOPMed 0.00002; ESP Exome Variant Server 0.00008.
gnomAD v4.1: 7 of 1,614,070 alleles (0.00043%); highest among the groups gnomAD compares: African/African-American, 0.004%; no homozygotes.

Submissions (5):

PreventionGenetics, part of Exact Sciences
Classification: Likely benign for AXIN2-related condition. Last evaluated: 2026-09-04. Review status: criteria provided, single submitter. Criteria: ACMG Guidelines, 2015. Collection method: clinical testing. Allele origin: germline.
Comment: This variant is classified as likely benign based on ACMG/AMP sequence variant interpretation guidelines (Richards et al. 2015 PMID: 25741868, with internal and published modifications).

Labcorp Genetics (formerly Invitae), Labcorp
Classification: Likely benign for Oligodontia-cancer predisposition syndrome. Last evaluated: 2025-12-21. Review status: criteria provided, single submitter. Criteria: Invitae Variant Classification Sherloc (09022015). Collection method: clinical testing. Allele origin: germline.

Myriad Genetics, Inc.
Classification: Benign for Oligodontia-cancer predisposition syndrome. Last evaluated: 2024-06-27. Review status: criteria provided, single submitter. Criteria: Myriad Autosomal Dominant, Autosomal Recessive and X-Linked Classification Criteria (2023). Collection method: clinical testing. Allele origin: unknown.
Comment: This variant is considered benign. This variant is a silent/synonymous amino acid change and it is not expected to impact splicing.

GeneDx
Classification: Likely benign. Last evaluated: 2021-02-15. Review status: criteria provided, single submitter. Criteria: GeneDx Variant Classification Process June 2021. Collection method: clinical testing. Allele origin: germline. Affected: yes.

Ambry Genetics
Classification: Likely benign for Hereditary cancer-predisposing syndrome. Last evaluated: 2021-01-21. Review status: criteria provided, single submitter. Criteria: Ambry Variant Classification Scheme 2023. Collection method: clinical testing. Allele origin: germline.